The following is an entry in ClinVar:

ClinVar aggregate classification (germline): Uncertain significance (1 of 4 stars; one submission).

Submission:

GeneDx
Classification: Uncertain significance. Last evaluated: 2024-08-06. Review status: criteria provided, single submitter. Criteria: GeneDx Variant Classification Process June 2021. Collection method: clinical testing. Allele origin: germline. Affected: yes.
Comment: Not observed at significant frequency in large population cohorts (gnomAD); In silico analysis indicates that this missense variant does not alter protein structure/function; Has not been previously published as pathogenic or benign to our knowledge

NM_012062.5(DNM1L):c.1342A>C (p.Asn448His)

Gene: DNM1L (dynamin 1 like; plus strand). Cytogenetic location: 12p11.21.
Variant type: single nucleotide variant.
Coding change: c.1342A>C on transcript NM_012062.5 (MANE Select); coding-DNA position 1342, A replaced by C.
Protein change: p.Asn448His; replaces asparagine 448 with histidine.
Molecular consequence: missense variant.
Genome position (GRCh38, 1-based): chr12:32,731,497, A>C. VCF-style: chr12-32731497-A-C. GRCh37 (hg19) VCF-style: chr12-32884431-A-C.
Other names: c.1342A>C, p.Asn448His (NM_001278463.2, NM_005690.5, NM_012063.4); c.1381A>C, p.Asn461His (NM_001278464.2, NM_001278465.2, NM_001330380.2); c.733A>C, p.Asn245His (NM_001278466.2); short protein forms N245H, N448H, N461H.
Identifiers: ClinVar variation 3603077 (VCV003603077.1).